The following is an entry in ClinVar:

NM_000271.5(NPC1):c.2096_2097dup (p.Asp700fs)

Gene: NPC1 (NPC intracellular cholesterol transporter 1; minus strand). Cytogenetic location: 18q11.2.
Variant type: Duplication.
Coding change: c.2096_2097dup on transcript NM_000271.5 (MANE Select); coding-DNA positions 2096 to 2097, 2 bases duplicated (TG; older notation c.2096_2097dupTG).
Protein change: p.Asp700fs; shifts the reading frame from aspartic acid 700.
Molecular consequence: frameshift variant.
Genome position (GRCh38, 1-based): chr18:23,544,377-23,544,378, CA duplicated on the plus strand (TG on the coding strand, the reverse complement: NPC1 is on the minus strand); duplicating any 2 consecutive bases within chr18:23,544,377-23,544,379 gives the same sequence; the c. name uses the placement nearest the transcript's 3' end. VCF-style (leftmost placement, unchanged base first): chr18-23544376-C-CCA. GRCh37 (hg19) VCF-style: chr18-21124340-C-CCA.
Other names: short protein forms D700fs.
Identifiers: ClinVar variation 2012367 (VCV002012367.4), dbSNP rs2511234717, ClinGen allele CA2576470973.

ClinVar aggregate classification (germline): Pathogenic (1 of 4 stars; one submission).

Conditions:
Niemann-Pick disease, type C1. Also called: NEUROVISCERAL STORAGE DISEASE WITH VERTICAL SUPRANUCLEAR OPHTHALMOPLEGIA; NIEMANN-PICK DISEASE WITH CHOLESTEROL ESTERIFICATION BLOCK; NIEMANN-PICK DISEASE WITHOUT SPHINGOMYELINASE DEFICIENCY; NIEMANN-PICK DISEASE, CHRONIC NEURONOPATHIC FORM; NIEMANN-PICK DISEASE, VARIANT TYPE C1. Identifiers: Orphanet 646, MedGen C3179455, MONDO:0009757, OMIM 257220.

Submission:

Labcorp Genetics (formerly Invitae), Labcorp
Classification: Pathogenic for Niemann-Pick disease, type C1. Last evaluated: 2023-08-29. Review status: criteria provided, single submitter. Criteria: Invitae Variant Classification Sherloc (09022015). Collection method: clinical testing. Allele origin: germline.
Comment: This variant has not been reported in the literature in individuals affected with NPC1-related conditions. For these reasons, this variant has been classified as Pathogenic. ClinVar contains an entry for this variant (Variation ID: 2012367). This variant is not present in population databases (gnomAD no frequency). This sequence change creates a premature translational stop signal (p.Asp700Trpfs*30) in the NPC1 gene. It is expected to result in an absent or disrupted protein product. Loss-of-function variants in NPC1 are known to be pathogenic (PMID: 9211850).

Literature cited by the submitters: PubMed 9211850.